The following is an entry in ClinVar:

NM_144573.4(NEXN):c.1473+1G>T

Gene: NEXN (nexilin F-actin binding protein; plus strand). Cytogenetic location: 1p31.1.
Variant type: single nucleotide variant.
Coding change: c.1473+1G>T on transcript NM_144573.4 (MANE Select); the canonical splice donor site of the intron after coding-DNA position 1473, G replaced by T.
Molecular consequence: splice donor variant.
Genome position (GRCh38, 1-based): chr1:77,936,045, G>T. VCF-style: chr1-77936045-G-T. GRCh37 (hg19) VCF-style: chr1-78401730-G-T.
Other names: c.1281+1G>T (NM_001172309.2).
Identifiers: ClinVar variation 858417 (VCV000858417.2), dbSNP rs1177977536, ClinGen allele CA340879523.

ClinVar aggregate classification (germline): Uncertain significance. Review status: criteria provided, multiple submitters, no conflicts (2 of 4 stars). 2 submissions from 2 submitters: Uncertain significance (2). Last evaluated 2024-05-27.

Conditions:
Dilated cardiomyopathy 1CC (CMD1CC). Identifiers: Orphanet 154, MedGen C2751084, MONDO:0013147, OMIM 613122.
Hypertrophic cardiomyopathy 20. Identifiers: MedGen C3151267, MONDO:0013477, OMIM 613876.

Allele frequency attached by ClinVar (database versions not stated): gnomAD exomes below 0.00001.
gnomAD v4.1: 1 of 1,587,526 alleles (0.000063%); highest among the groups gnomAD compares: East Asian, 0.0022%; no homozygotes.

Submissions (2):

Blueprint Genetics
Classification: Uncertain significance. Last evaluated: 2024-05-27. Review status: criteria provided, single submitter. Criteria: ACMG Guidelines, 2015. Collection method: clinical testing. Allele origin: germline.

Labcorp Genetics (formerly Invitae), Labcorp
Classification: Uncertain significance for Dilated cardiomyopathy 1CC; Familial hypertrophic cardiomyopathy 20. Last evaluated: 2019-02-20. Review status: criteria provided, single submitter. Criteria: Invitae Variant Classification Sherloc (09022015). Collection method: clinical testing. Allele origin: germline.
Comment: This sequence change affects a donor splice site in intron 11 of the NEXN gene. It is expected to disrupt RNA splicing and likely results in an absent or disrupted protein product. This variant is not present in population databases (ExAC no frequency). This variant has not been reported in the literature in individuals with NEXN-related conditions. Algorithms developed to predict the effect of sequence changes on RNA splicing suggest that this variant may disrupt the consensus splice site, but this prediction has not been confirmed by published transcriptional studies. The current clinical and genetic evidence is not sufficient to establish whether loss-of-function variants in NEXN cause disease. In summary, the available evidence is currently insufficient to determine the role of this variant in disease. Therefore, it has been classified as a Variant of Uncertain Significance.